The following is an entry in ClinVar:

ClinVar aggregate classification (germline): Uncertain significance. Review status: criteria provided, multiple submitters, no conflicts (2 of 4 stars). 2 submissions from 2 submitters: Uncertain significance (2). Last evaluated 2021-11-07.

Conditions:
Tuberous sclerosis 2 (TSC2). Identifiers: Orphanet 805, MedGen C1860707, MONDO:0013199, OMIM 613254.

Submissions (2):

Genome-Nilou Lab
Classification: Uncertain significance for Tuberous sclerosis 2. Last evaluated: 2021-11-07. Review status: criteria provided, single submitter. Criteria: ACMG Guidelines, 2015. Collection method: clinical testing. Allele origin: germline. Affected: no.

Labcorp Genetics (formerly Invitae), Labcorp
Classification: Uncertain significance for Tuberous sclerosis 2. Last evaluated: 2020-02-21. Review status: criteria provided, single submitter. Criteria: Invitae Variant Classification Sherloc (09022015). Collection method: clinical testing. Allele origin: germline.
Comment: This sequence change replaces asparagine with aspartic acid at codon 1720 of the TSC2 protein (p.Asn1720Asp). The asparagine residue is highly conserved and there is a small physicochemical difference between asparagine and aspartic acid. In summary, this variant is a novel missense change with uncertain impact on protein function. It has been classified as a Variant of Uncertain Significance. Algorithms developed to predict the effect of sequence changes on RNA splicing suggest that this variant may alter RNA splicing, but this prediction has not been confirmed by published transcriptional studies. Algorithms developed to predict the effect of missense changes on protein structure and function do not agree on the potential impact of this missense change (SIFT: "Deleterious"; PolyPhen-2: "Benign"; Align-GVGD: "Class C0"). This variant is not present in population databases (ExAC no frequency) and has not been reported in the literature in individuals with a TSC2-related disease.

NM_000548.5(TSC2):c.5158A>G (p.Asn1720Asp)

Gene: TSC2 (TSC complex subunit 2; plus strand). Cytogenetic location: 16p13.3.
Variant type: single nucleotide variant.
Coding change: c.5158A>G on transcript NM_000548.5 (MANE Select); coding-DNA position 5158, A replaced by G.
Protein change: p.Asn1720Asp; replaces asparagine 1720 with aspartic acid.
Molecular consequence: missense variant.
Genome position (GRCh38, 1-based): chr16:2,088,137, A>G. VCF-style: chr16-2088137-A-G. GRCh37 (hg19) VCF-style: chr16-2138138-A-G.
Other names: c.4957A>G, p.Asn1653Asp (NM_001077183.3); c.5089A>G, p.Asn1697Asp (NM_001114382.3); c.4849A>G, p.Asn1617Asp (NM_001318827.2); c.4813A>G, p.Asn1605Asp (NM_001318829.2); c.4426A>G, p.Asn1476Asp (NM_001318831.2); c.4990A>G, p.Asn1664Asp (NM_001318832.2); c.4960A>G, p.Asn1654Asp (NM_001363528.2); c.5026A>G, p.Asn1676Asp (NM_001370404.1); and 1 more; short protein forms N1720D, N1677D, N1476D, N1653D, N1654D, N1676D, N1605D, N1617D.
Identifiers: ClinVar variation 468143 (VCV000468143.15), dbSNP rs1555440225, ClinGen allele CA394312679.